The following is an entry in ClinVar:

ClinVar aggregate classification (germline): Uncertain significance (1 of 4 stars; one submission).

gnomAD v4.1: 1 of 1,613,898 alleles (0.000062%); highest among the groups gnomAD compares: Admixed American, 0.0017%; no homozygotes.

Submission:

Labcorp Genetics (formerly Invitae), Labcorp
Classification: Uncertain significance. Last evaluated: 2025-12-09. Review status: criteria provided, single submitter. Criteria: Invitae Variant Classification Sherloc (09022015). Collection method: clinical testing. Allele origin: germline.
Comment: This sequence change replaces isoleucine, which is neutral and non-polar, with valine, which is neutral and non-polar, at codon 555 of the AUTS2 protein (p.Ile555Val). This variant is present in population databases (rs769402743, gnomAD 0.006%). This variant has not been reported in the literature in individuals affected with AUTS2-related conditions. Invitae Evidence Modeling of protein sequence and biophysical properties (such as structural, functional, and spatial information, amino acid conservation, physicochemical variation, residue mobility, and thermodynamic stability) indicates that this missense variant is not expected to disrupt AUTS2 protein function with a negative predictive value of 80%. In summary, the available evidence is currently insufficient to determine the role of this variant in disease. Therefore, it has been classified as a Variant of Uncertain Significance.

NM_015570.4(AUTS2):c.1663A>G (p.Ile555Val)

Gene: AUTS2 (activator of transcription and developmental regulator AUTS2; plus strand). Cytogenetic location: 7q11.22.
Variant type: single nucleotide variant.
Coding change: c.1663A>G on transcript NM_015570.4 (MANE Select); coding-DNA position 1663, A replaced by G.
Protein change: p.Ile555Val; replaces isoleucine 555 with valine.
Molecular consequence: missense variant.
Genome position (GRCh38, 1-based): chr7:70,766,308, A>G. VCF-style: chr7-70766308-A-G. GRCh37 (hg19) VCF-style: chr7-70231294-A-G.
Other names: c.1663A>G, p.Ile555Val (NM_001127231.3); short protein forms I555V.
Identifiers: ClinVar variation 4717214 (VCV004717214.1).